The following is an entry in ClinVar:

NM_006060.6(IKZF1):c.983G>A (p.Arg328His)

Gene: IKZF1 (IKAROS family zinc finger 1; plus strand). Cytogenetic location: 7p12.2.
Variant type: single nucleotide variant.
Coding change: c.983G>A on transcript NM_006060.6 (MANE Select); coding-DNA position 983, G replaced by A.
Protein change: p.Arg328His; replaces arginine 328 with histidine.
Molecular consequence: missense variant.
Genome position (GRCh38, 1-based): chr7:50,400,050, G>A. VCF-style: chr7-50400050-G-A. GRCh37 (hg19) VCF-style: chr7-50467748-G-A.
Other names: c.857G>A, p.Arg286His (NM_001220765.3, NM_001291837.2); c.692G>A, p.Arg231His (NM_001220767.2); c.722G>A, p.Arg241His (NM_001220768.2, NM_001291838.2); c.566G>A, p.Arg189His (NM_001220770.2); c.554G>A, p.Arg185His (NM_001220771.2, NM_001291841.1); c.596G>A, p.Arg199His (NM_001291839.2); c.293G>A, p.Arg98His (NM_001291840.1); c.524G>A, p.Arg175His (NM_001291842.1); and 3 more; short protein forms R133H, R143H, R175H, R185H, R189H, R199H, R231H, R241H.
Identifiers: ClinVar variation 4803387 (VCV004803387.1).
Genomic context (GRCh38, chr7:50,400,050, plus strand): 5'-CCCACGTGATGGACCAAGCCATCAACAACGCCATCAACTACCTGGGGGCCGAGTCCCTGC[G>A]CCCGCTGGTGCAGACGCCCCCGGGCGGTTCCGAGGTGGTCCCGGTCATCAGCCCGATGTA-3'
Protein context (NP_006051.1, residues 318-338): AINYLGAESL[Arg328His]PLVQTPPGGS

ClinVar aggregate classification (germline): Uncertain significance (1 of 4 stars; one submission).

Submission:

Labcorp Genetics (formerly Invitae), Labcorp
Classification: Uncertain significance. Last evaluated: 2025-03-30. Review status: criteria provided, single submitter. Criteria: Invitae Variant Classification Sherloc (09022015). Collection method: clinical testing. Allele origin: germline.
Comment: This sequence change replaces arginine, which is basic and polar, with histidine, which is basic and polar, at codon 328 of the IKZF1 protein (p.Arg328His). This variant is not present in population databases (gnomAD no frequency). This variant has not been reported in the literature in individuals affected with IKZF1-related conditions. An algorithm developed to predict the effect of missense changes on protein structure and function (PolyPhen-2) suggests that this variant is likely to be disruptive. In summary, the available evidence is currently insufficient to determine the role of this variant in disease. Therefore, it has been classified as a Variant of Uncertain Significance.